The following is an entry in ClinVar:

NM_001375405.1(CEP120):c.113A>T (p.Gln38Leu)

Gene: CEP120 (centrosomal protein 120; minus strand). Cytogenetic location: 5q23.2.
Variant type: single nucleotide variant.
Coding change: c.113A>T on transcript NM_001375405.1 (MANE Select); coding-DNA position 113, A replaced by T.
Protein change: p.Gln38Leu; replaces glutamine 38 with leucine.
Molecular consequence: missense variant. On other transcripts: 5 prime UTR variant (2), non-coding transcript variant (1).
Genome position (GRCh38, 1-based): chr5:123,418,452, T>A on the plus strand (A>T on the coding strand, the complement: CEP120 is on the minus strand). VCF-style: chr5-123418452-T-A. GRCh37 (hg19) VCF-style: chr5-122754146-T-A.
Other names: c.35A>T, p.Gln12Leu (NM_001166226.2); c.113A>T, p.Gln38Leu (NM_001375406.1, NM_001375407.1, NM_153223.4); c.-636A>T (NM_001375408.1); c.-578A>T (NM_001375409.1); short protein forms Q38L, Q12L.
Identifiers: ClinVar variation 2012308 (VCV002012308.4), dbSNP rs2479499678, ClinGen allele CA360897243.

ClinVar aggregate classification (germline): Uncertain significance (1 of 4 stars; one submission).

Conditions:
Short-rib thoracic dysplasia 13 with or without polydactyly (SRTD13). Identifiers: Orphanet 474, MedGen C4225378, MONDO:0014577, OMIM 616300.

Submission:

Labcorp Genetics (formerly Invitae), Labcorp
Classification: Uncertain significance for Short-rib thoracic dysplasia 13 with or without polydactyly. Last evaluated: 2022-06-29. Review status: criteria provided, single submitter. Criteria: Invitae Variant Classification Sherloc (09022015). Collection method: clinical testing. Allele origin: germline.
Comment: In summary, the available evidence is currently insufficient to determine the role of this variant in disease. Therefore, it has been classified as a Variant of Uncertain Significance. Algorithms developed to predict the effect of missense changes on protein structure and function are either unavailable or do not agree on the potential impact of this missense change (SIFT: "Deleterious"; PolyPhen-2: "Benign"; Align-GVGD: "Class C0"). This variant has not been reported in the literature in individuals affected with CEP120-related conditions. This variant is not present in population databases (gnomAD no frequency). This sequence change replaces glutamine, which is neutral and polar, with leucine, which is neutral and non-polar, at codon 38 of the CEP120 protein (p.Gln38Leu).